The following is an entry in ClinVar:

NM_001376.5(DYNC1H1):c.10356C>T (p.Ala3452=)

Gene: DYNC1H1 (dynein cytoplasmic 1 heavy chain 1; plus strand). Cytogenetic location: 14q32.31.
Variant type: single nucleotide variant.
Coding change: c.10356C>T on transcript NM_001376.5 (MANE Select); coding-DNA position 10356, C replaced by T.
Protein change: p.Ala3452=; no amino-acid change (alanine 3452 retained).
Molecular consequence: synonymous variant.
Genome position (GRCh38, 1-based): chr14:102,033,427, C>T. VCF-style: chr14-102033427-C-T. GRCh37 (hg19) VCF-style: chr14-102499764-C-T.
Identifiers: ClinVar variation 472503 (VCV000472503.33), dbSNP rs758827732, ClinGen allele CA7353396.
Genomic context (GRCh38, chr14:102,033,427, plus strand): 5'-GGTGGAGCAGATGATCCGAGACCTGGAAGCCAGCATCGCCCGCTACAAGGAGGAATACGC[C>T]GTCCTGATCTCAGAGGCCCAGGCCATCAAGGCAGACCTGGCAGCTGTCGAGGCAAAAGTA-3'
Protein context (NP_001367.2, residues 3442-3462): ASIARYKEEY[Ala3452=]VLISEAQAIK

ClinVar aggregate classification (germline): Likely benign. Review status: criteria provided, multiple submitters, no conflicts (2 of 4 stars). 2 submissions from 2 submitters: Likely benign (2). Last evaluated 2023-08-01.

Conditions:
Charcot-Marie-Tooth disease axonal type 2O. Also called: CHARCOT-MARIE-TOOTH NEUROPATHY, AXONAL, TYPE 2O; CHARCOT-MARIE-TOOTH DISEASE, AXONAL, AUTOSOMAL DOMINANT, TYPE 2O; Charcot-Marie-Tooth Neuropathy Type 2O; Charcot-Marie-Tooth disease, axonal, type 20. Identifiers: Orphanet 284232, MedGen C3280220, MONDO:0013644, OMIM 614228.

Allele frequency attached by ClinVar (database versions not stated): ExAC 0.00001; gnomAD 0.00001; TOPMed 0.00001; gnomAD exomes 0.00002.
gnomAD v4.1: 27 of 1,614,052 alleles (0.0017%); highest among the groups gnomAD compares: Middle Eastern, 0.016%; no homozygotes.

Submissions (2):

CeGaT Center for Human Genetics Tuebingen
Classification: Likely benign. Last evaluated: 2023-08-01. Review status: criteria provided, single submitter. Criteria: CeGaT Center For Human Genetics Tuebingen Variant Classification Criteria Version 2. Collection method: clinical testing. Allele origin: germline. Affected: yes. Observed: 1 variant allele.
Comment: DYNC1H1: BP4, BP7

Labcorp Genetics (formerly Invitae), Labcorp
Classification: Likely benign for Charcot-Marie-Tooth disease axonal type 2O. Last evaluated: 2022-11-16. Review status: criteria provided, single submitter. Criteria: Invitae Variant Classification Sherloc (09022015). Collection method: clinical testing. Allele origin: germline.